The following is an entry in ClinVar:

NM_001369.3(DNAH5):c.*1048A>G

Gene: DNAH5 (dynein axonemal heavy chain 5; minus strand). Cytogenetic location: 5p15.2.
Variant type: single nucleotide variant.
Coding change: c.*1048A>G on transcript NM_001369.3 (MANE Select); 1048 bases downstream of the stop codon, A replaced by G.
Molecular consequence: 3 prime UTR variant.
Genome position (GRCh38, 1-based): chr5:13,690,936, T>C on the plus strand (A>G on the coding strand, the complement: DNAH5 is on the minus strand). VCF-style: chr5-13690936-T-C. GRCh37 (hg19) VCF-style: chr5-13691045-T-C.
Identifiers: ClinVar variation 350910 (VCV000350910.6), dbSNP rs2896111, ClinGen allele CA10619042.

ClinVar aggregate classification (germline): Benign. Review status: criteria provided, multiple submitters, no conflicts (2 of 4 stars). 2 submissions from 2 submitters: Benign (2). Last evaluated 2018-01-13.

Conditions:
Primary ciliary dyskinesia 3. Identifiers: Orphanet 244, MedGen C1837618, MONDO:0012085, OMIM 608644.

Allele frequency attached by ClinVar (database versions not stated): 1000 Genomes Project 0.44369; 1000 Genomes Project 30x 0.44394; TOPMed 0.49228; gnomAD 0.49327 and 0.49736.

Submissions (2):

Illumina Laboratory Services, Illumina
Classification: Benign for Primary ciliary dyskinesia 3. Last evaluated: 2018-01-13. Review status: criteria provided, single submitter. Criteria: ICSL Variant Classification Criteria 13 December 2019. Collection method: clinical testing. Allele origin: germline.
Comment: This variant was observed in the ICSL laboratory as part of a predisposition screen in an ostensibly healthy population. It had not been previously curated by ICSL or reported in the Human Gene Mutation Database (HGMD: prior to June 1st, 2018), and was therefore a candidate for classification through an automated scoring system. Utilizing variant allele frequency, disease prevalence and penetrance estimates, and inheritance mode, an automated score was calculated to assess if this variant is too frequent to cause the disease. Based on the score and internal cut-off values, a variant classified as benign is not then subjected to further curation. The score for this variant resulted in a classification of benign for this disease.

Breakthrough Genomics
Classification: Benign. Review status: criteria provided, single submitter. Criteria: ACMG Guidelines, 2015. Collection method: not provided. Allele origin: germline. Inheritance: Autosomal recessive inheritance. Affected: yes.